The following is an entry in ClinVar:

ClinVar aggregate classification (germline): Likely benign. Review status: reviewed by expert panel (3 of 4 stars). 2 submissions from 2 submitters: Likely benign (1). 1 of the submissions does not count toward it. Last evaluated 2017-06-29.

Conditions:
Hereditary cancer-predisposing syndrome. Also called: Neoplastic Syndromes, Hereditary; Hereditary neoplastic syndrome; Tumor predisposition; Hereditary Cancer Syndrome. Identifiers: Orphanet 140162, MedGen C0027672, MeSH D009386, MONDO:0015356.
Breast-ovarian cancer, familial, susceptibility to, 1 (BROVCA1). Also called: BRCA1 Hereditary Breast and Ovarian Cancer; OVARIAN CANCER, SUSCEPTIBILITY TO. Identifiers: Orphanet 145, MedGen C2676676, MONDO:0011450, OMIM 604370. Disease mechanism: loss of function.

Submissions (2):

Evidence-based Network for the Interpretation of Germline Mutant Alleles (ENIGMA)
Classification: Likely benign for Breast-ovarian cancer, familial, susceptibility to, 1. Last evaluated: 2017-06-29. Review status: reviewed by expert panel. Criteria: ENIGMA BRCA1/2 Classification Criteria (2017-06-29). Collection method: curation. Allele origin: germline.
Comment: Synonymous substitution variant, with low bioinformatic likelihood to result in a splicing aberration (Splicing prior probability 0.02).

Ambry Genetics
Classification: Likely benign for Hereditary cancer-predisposing syndrome. Last evaluated: 2023-12-31. Review status: criteria provided, single submitter. Criteria: Ambry Variant Classification Scheme 2023. Collection method: clinical testing. Allele origin: germline. Not counted in ClinVar's aggregate classification.

NM_007294.4(BRCA1):c.3069G>A (p.Val1023=)

Gene: BRCA1 (BRCA1 DNA repair associated; minus strand). Cytogenetic location: 17q21.31.
Variant type: single nucleotide variant.
Coding change: c.3069G>A on transcript NM_007294.4 (MANE Select); coding-DNA position 3069, G replaced by A.
Protein change: p.Val1023=; no amino-acid change (valine 1023 retained).
Molecular consequence: synonymous variant. On other transcripts: intron variant (137).
Genome position (GRCh38, 1-based): chr17:43,092,462, C>T on the plus strand (G>A on the coding strand, the complement: BRCA1 is on the minus strand). VCF-style: chr17-43092462-C-T. GRCh37 (hg19) VCF-style: chr17-41244479-C-T.
Other names: c.2802G>A, p.Val934= (NM_001407932.1, NM_001407934.1, NM_001407936.1 and 2 more transcripts); c.2805G>A, p.Val935= (NM_001407933.1, NM_001407935.1, NM_001407920.1 and 9 more transcripts); c.2946G>A, p.Val982= (NM_001407937.1, NM_001407938.1, NM_001407939.1 and 19 more transcripts); c.2943G>A, p.Val981= (NM_001407940.1, NM_001407941.1, NM_001407649.1 and 11 more transcripts); c.2928G>A, p.Val976= (NM_001407942.1, NM_001407944.1, NM_001407945.1 and 29 more transcripts); c.2925G>A, p.Val975= (NM_001407943.1, NM_001407964.1, NM_001407740.1 and 20 more transcripts); c.2736G>A, p.Val912= (NM_001407946.1, NM_001407947.1, NM_001407948.1 and 6 more transcripts); c.2733G>A, p.Val911= (NM_001407954.1, NM_001407955.1, NM_001407956.1 and 1 more transcripts); and 41 more.
Identifiers: ClinVar variation 427281 (VCV000427281.5), dbSNP rs1131692091, ClinGen allele CA500232308.